The following is an entry in ClinVar:

NM_006565.4(CTCF):c.1055dup (p.Cys353fs)

Gene: CTCF (CCCTC-binding factor; plus strand). Cytogenetic location: 16q22.1.
Variant type: Duplication.
Coding change: c.1055dup on transcript NM_006565.4 (MANE Select); coding-DNA position 1055, one base duplicated (A; older notation c.1055dupA).
Protein change: p.Cys353fs; shifts the reading frame from cysteine 353.
Molecular consequence: frameshift variant.
Genome position (GRCh38, 1-based): chr16:67,616,847, A duplicated; the last of 2 consecutive A bases (chr16:67,616,846-67,616,847); duplicating either gives the same sequence. VCF-style (leftmost placement, unchanged base first): chr16-67616845-C-CA. GRCh37 (hg19) VCF-style: chr16-67650748-C-CA.
Other names: c.1055dup, p.Cys353fs (NM_001363916.2, NM_001438968.1, NM_001438969.1); c.71dup, p.Cys25fs (NM_001191022.2); short protein forms C25fs, C353fs.
Identifiers: ClinVar variation 4532331 (VCV004532331.1).

ClinVar aggregate classification (germline): Likely pathogenic (1 of 4 stars; one submission).

Submission:

GeneDx
Classification: Likely pathogenic. Last evaluated: 2025-05-29. Review status: criteria provided, single submitter. Criteria: GeneDx Variant Classification Process June 2021. Collection method: clinical testing. Allele origin: germline. Affected: yes.
Comment: Reported as a de novo variant in a large cohort of patients with autism spectrum disorder; however, patient-specific clinical information was not provided (PMID: 25363768); Frameshift variant predicted to result in protein truncation or nonsense mediated decay in a gene for which loss of function is a known mechanism of disease; Not observed at significant frequency in large population cohorts (gnomAD); This variant is associated with the following publications: (PMID: 37595579, 31785789, 28191890, 36368308, 35982159, 25363768)